The following is an entry in ClinVar:

NM_001011719.2(ARSH):c.524C>T (p.Ala175Val)

Gene: ARSH (arylsulfatase family member H; plus strand). Cytogenetic location: Xp22.33.
Variant type: single nucleotide variant.
Coding change: c.524C>T on transcript NM_001011719.2 (MANE Select); coding-DNA position 524, C replaced by T.
Protein change: p.Ala175Val; replaces alanine 175 with valine.
Molecular consequence: missense variant.
Genome position (GRCh38, 1-based): chrX:3,015,153, C>T. VCF-style: chrX-3015153-C-T. GRCh37 (hg19) VCF-style: chrX-2933194-C-T.
Other names: short protein forms A175V.
Identifiers: ClinVar variation 4839913 (VCV004839913.1).
Genomic context (GRCh38, chrX:3,015,153, plus strand): 5'-AGACACCAGAACTGCACCGCTGGCTCAGGATCAAACTGTGGATCTCCACGGTAGCCCTTG[C>T]CCTGGTTCCTTTTCTGCTTCTCATTCCCAAGTTCGCCCGCTGGTTCTCAGTGCCATGGAA-3'
Protein context (NP_001011719.1, residues 165-185): IKLWISTVAL[Ala175Val]LVPFLLLIPK

ClinVar aggregate classification (germline): Uncertain significance (1 of 4 stars; one submission).

gnomAD v4.1: 6 of 1,207,974 alleles (0.0005%); highest among the groups gnomAD compares: South Asian, 0.0053%; no homozygotes.

Submission:

Ambry Genetics
Classification: Uncertain significance. Last evaluated: 2026-02-16. Review status: criteria provided, single submitter. Criteria: Ambry Variant Classification Scheme 2023. Collection method: clinical testing. Allele origin: germline.
Comment: The c.524C>T (p.A175V) alteration is located in exon 4 (coding exon 4) of the ARSH gene. This alteration results from a C to T substitution at nucleotide position 524, causing the alanine (A) at amino acid position 175 to be replaced by a valine (V). Based on data from gnomAD, the T allele has an overall frequency of 0.001% (1/172227) total alleles studied. The highest observed frequency was 0.006% (1/17697) of South Asian alleles. Based on insufficient or conflicting evidence, the clinical significance of this alteration remains unclear.